The following is an entry in ClinVar:

ClinVar aggregate classification (germline): Pathogenic (1 of 4 stars; one submission).

Conditions:
Myopathy caused by variation in POMGNT1. Identifiers: MedGen CN305639, MONDO:0700068.

Submission:

Myriad Genetics, Inc.
Classification: Pathogenic for Myopathy caused by variation in POMGNT1. Last evaluated: 2023-12-26. Review status: criteria provided, single submitter. Criteria: Myriad Autosomal Dominant, Autosomal Recessive and X-Linked Classification Criteria (2023). Collection method: clinical testing. Allele origin: unknown.
Comment: NM_017739.3(POMGNT1):c.788_791dupGTCG(R265Sfs*10) is expected to be pathogenic in the context of POMGNT1-related disorders. This variant is predicted to lead to an abnormal or absent protein product due to the creation of a premature termination codon in POMGNT1, a gene where loss-of-function variants are known to be pathogenic. Please note: this variant was assessed in the context of healthy population screening.

NM_017739.4(POMGNT1):c.788_791dup (p.Arg265fs)

Genes: POMGNT1 (protein O-linked mannose N-acetylglucosaminyltransferase 1 (beta 1,2-); minus strand), TSPAN1 (tetraspanin 1; plus strand). Cytogenetic location: 1p34.1.
Variant type: Duplication.
Coding change: c.788_791dup on transcript NM_017739.4 (MANE Select); coding-DNA positions 788 to 791, 4 bases duplicated (GTCG; older notation c.788_791dupGTCG).
Protein change: p.Arg265fs; shifts the reading frame from arginine 265.
Molecular consequence: frameshift variant.
Genome position (GRCh38, 1-based): chr1:46,194,362-46,194,365, CGAC duplicated on the plus strand (GTCG on the coding strand, the reverse complement: POMGNT1 is on the minus strand). VCF-style (leftmost placement, unchanged base first): chr1-46194361-G-GCGAC. GRCh37 (hg19) VCF-style: chr1-46660033-G-GCGAC.
Other names: c.788_791dup, p.Arg265fs (NM_001243766.2, NM_001410783.1, NM_001437653.1 and 3 more transcripts); c.722_725dup, p.Arg243fs (NM_001290129.3, NM_001438691.1, NM_001438692.1); c.359_362dup, p.Arg122fs (NM_001290130.2); short protein forms R122fs, R243fs, R265fs.
Identifiers: ClinVar variation 5012610 (VCV005012610.1).